The following is an entry in ClinVar:

ClinVar aggregate classification (germline): Benign/Likely benign. Review status: criteria provided, multiple submitters, no conflicts (2 of 4 stars). 4 submissions from 4 submitters: Benign (1); Likely benign (3). Last evaluated 2024-12-20.

Conditions:
Lynch syndrome 5 (LYNCH5). Also called: Colorectal cancer, hereditary nonpolyposis, type 5; Hereditary non-polyposis colorectal cancer, type 5. Identifiers: Orphanet 144, MedGen C1833477, MONDO:0013710, OMIM 614350. Disease mechanism: loss of function.
Hereditary nonpolyposis colorectal neoplasms. Identifiers: MedGen C0009405, MeSH D003123.
Hereditary cancer-predisposing syndrome. Also called: Hereditary neoplastic syndrome; Tumor predisposition; Hereditary Cancer Syndrome; Neoplastic Syndromes, Hereditary. Identifiers: Orphanet 140162, MedGen C0027672, MeSH D009386, MONDO:0015356.

Submissions (4):

Myriad Genetics, Inc.
Classification: Benign for Lynch syndrome 5. Last evaluated: 2024-12-20. Review status: criteria provided, single submitter. Criteria: Myriad Autosomal Dominant, Autosomal Recessive and X-Linked Classification Criteria (2023). Collection method: clinical testing. Allele origin: unknown.
Comment: This variant is considered benign. This variant is a silent/synonymous amino acid change and it is not expected to impact splicing.

Ambry Genetics
Classification: Likely benign for Hereditary cancer-predisposing syndrome. Last evaluated: 2023-10-11. Review status: criteria provided, single submitter. Criteria: Ambry Variant Classification Scheme 2023. Collection method: clinical testing. Allele origin: germline.

Labcorp Genetics (formerly Invitae), Labcorp
Classification: Likely benign for Hereditary nonpolyposis colorectal neoplasms. Last evaluated: 2022-08-03. Review status: criteria provided, single submitter. Criteria: Invitae Variant Classification Sherloc (09022015). Collection method: clinical testing. Allele origin: germline.

Color Diagnostics, LLC DBA Color Health
Classification: Likely benign for Hereditary cancer-predisposing syndrome. Last evaluated: 2017-09-05. Review status: criteria provided, single submitter. Criteria: ACMG Guidelines, 2015. Collection method: clinical testing. Allele origin: germline.

NM_000179.3(MSH6):c.972A>G (p.Lys324=)

Gene: MSH6 (mutS homolog 6; plus strand). Cytogenetic location: 2p16.3.
Variant type: single nucleotide variant.
Coding change: c.972A>G on transcript NM_000179.3 (MANE Select); coding-DNA position 972, A replaced by G.
Protein change: p.Lys324=; no amino-acid change (lysine 324 retained).
Molecular consequence: synonymous variant.
Genome position (GRCh38, 1-based): chr2:47,798,955, A>G. VCF-style: chr2-47798955-A-G. GRCh37 (hg19) VCF-style: chr2-48026094-A-G.
Other names: c.582A>G, p.Lys194= (NM_001281492.2); c.66A>G, p.Lys22= (NM_001281493.2, NM_001281494.2).
Identifiers: ClinVar variation 491996 (VCV000491996.10), dbSNP rs876658610, ClinGen allele CA426120677.